The following is an entry in ClinVar:

ClinVar aggregate classification (germline): Uncertain significance. Review status: criteria provided, multiple submitters, no conflicts (2 of 4 stars). 4 submissions from 4 submitters: Uncertain significance (3). 1 of the submissions does not count toward it. Last evaluated 2024-09-29.

Conditions:
Inborn genetic diseases. Identifiers: MedGen C0950123, MeSH D030342.
Pontocerebellar hypoplasia type 6 (PCH6). Identifiers: Orphanet 166073, MedGen C1969084, MONDO:0012683, OMIM 611523.

Allele frequency attached by ClinVar (database versions not stated): TOPMed 0.00001.

Submissions (4):

Labcorp Genetics (formerly Invitae), Labcorp
Classification: Uncertain significance. Last evaluated: 2024-09-29. Review status: criteria provided, single submitter. Criteria: Invitae Variant Classification Sherloc (09022015). Collection method: clinical testing. Allele origin: germline.
Comment: This sequence change replaces arginine, which is basic and polar, with cysteine, which is neutral and slightly polar, at codon 7 of the RARS2 protein (p.Arg7Cys). This variant is present in population databases (rs201693843, gnomAD 0.03%). This variant has not been reported in the literature in individuals affected with RARS2-related conditions. ClinVar contains an entry for this variant (Variation ID: 215056). Invitae Evidence Modeling of protein sequence and biophysical properties (such as structural, functional, and spatial information, amino acid conservation, physicochemical variation, residue mobility, and thermodynamic stability) indicates that this missense variant is not expected to disrupt RARS2 protein function with a negative predictive value of 95%. In summary, the available evidence is currently insufficient to determine the role of this variant in disease. Therefore, it has been classified as a Variant of Uncertain Significance.

Ambry Genetics
Classification: Uncertain significance for Inborn genetic diseases. Last evaluated: 2024-09-03. Review status: criteria provided, single submitter. Criteria: Ambry Variant Classification Scheme 2023. Collection method: clinical testing. Allele origin: germline.

GeneDx
Classification: Uncertain significance. Last evaluated: 2019-03-13. Review status: criteria provided, single submitter. Criteria: GeneDx Variant Classification Process June 2021. Collection method: clinical testing. Allele origin: germline. Affected: yes.
Comment: In silico analysis, which includes protein predictors and evolutionary conservation, supports a deleterious effect; Has not been previously published as pathogenic or benign to our knowledge

Natera, Inc.
Classification: Uncertain significance for Pontocerebellar hypoplasia, type 6. Last evaluated: 2019-11-11. Review status: no assertion criteria provided. Collection method: clinical testing. Allele origin: germline. Not counted in ClinVar's aggregate classification.

NM_020320.5(RARS2):c.19C>T (p.Arg7Cys)

Gene: RARS2 (arginyl-tRNA synthetase 2, mitochondrial; minus strand). Cytogenetic location: 6q15.
Variant type: single nucleotide variant.
Coding change: c.19C>T on transcript NM_020320.5 (MANE Select); coding-DNA position 19, C replaced by T.
Protein change: p.Arg7Cys; replaces arginine 7 with cysteine.
Molecular consequence: missense variant. On other transcripts: 5 prime UTR variant (7), non-coding transcript variant (23).
Genome position (GRCh38, 1-based): chr6:87,589,939, G>A on the plus strand (C>T on the coding strand, the complement: RARS2 is on the minus strand). VCF-style: chr6-87589939-G-A. GRCh37 (hg19) VCF-style: chr6-88299657-G-A.
Other names: p.R7C:CGC>TGC; c.-672C>T (NM_001318785.2); c.19C>T, p.Arg7Cys (NM_001350505.2); c.-728C>T (NM_001350506.2, NM_001350510.2); c.-851C>T (NM_001350507.2); c.-890C>T (NM_001350508.2); c.-598C>T (NM_001350509.2); c.-847C>T (NM_001350511.2); short protein forms R7C.
Identifiers: ClinVar variation 215056 (VCV000215056.7), dbSNP rs201693843, ClinGen allele CA320816.